The following is an entry in ClinVar:

ClinVar aggregate classification (germline): Uncertain significance (1 of 4 stars; one submission).

Submission:

Labcorp Genetics (formerly Invitae), Labcorp
Classification: Uncertain significance. Last evaluated: 2025-02-26. Review status: criteria provided, single submitter. Criteria: Invitae Variant Classification Sherloc (09022015). Collection method: clinical testing. Allele origin: germline.
Comment: This sequence change replaces valine, which is neutral and non-polar, with glutamic acid, which is acidic and polar, at codon 618 of the CTNNA1 protein (p.Val618Glu). This variant is not present in population databases (gnomAD no frequency). This variant has not been reported in the literature in individuals affected with CTNNA1-related conditions. ClinVar contains an entry for this variant (Variation ID: 2816647). Invitae Evidence Modeling of protein sequence and biophysical properties (such as structural, functional, and spatial information, amino acid conservation, physicochemical variation, residue mobility, and thermodynamic stability) indicates that this missense variant is not expected to disrupt CTNNA1 protein function with a negative predictive value of 80%. In summary, the available evidence is currently insufficient to determine the role of this variant in disease. Therefore, it has been classified as a Variant of Uncertain Significance.

NM_001903.5(CTNNA1):c.1853T>A (p.Val618Glu)

Gene: CTNNA1 (catenin alpha 1; plus strand). Cytogenetic location: 5q31.2.
Variant type: single nucleotide variant.
Coding change: c.1853T>A on transcript NM_001903.5 (MANE Select); coding-DNA position 1853, T replaced by A.
Protein change: p.Val618Glu; replaces valine 618 with glutamic acid.
Molecular consequence: missense variant.
Genome position (GRCh38, 1-based): chr5:138,925,361, T>A. VCF-style: chr5-138925361-T-A. GRCh37 (hg19) VCF-style: chr5-138261050-T-A.
Other names: c.1853T>A, p.Val618Glu (NM_001290307.3, NM_001323982.2, NM_001323983.1 and 2 more transcripts); c.1544T>A, p.Val515Glu (NM_001290309.3); c.1484T>A, p.Val495Glu (NM_001290310.3); c.743T>A, p.Val248Glu (NM_001290312.1, NM_001323987.1, NM_001323988.1 and 17 more transcripts); c.1760T>A, p.Val587Glu (NM_001323986.2); c.404T>A, p.Val135Glu (NM_001324006.1, NM_001324007.1, NM_001324008.1 and 2 more transcripts); c.650T>A, p.Val217Glu (NM_001324011.1); c.500T>A, p.Val167Glu (NM_001324012.1, NM_001324013.1); short protein forms V167E, V248E, V515E, V135E, V217E, V587E, V495E, V618E.
Identifiers: ClinVar variation 2816647 (VCV002816647.3), dbSNP rs2533736138, ClinGen allele CA361132347.